The following is an entry in ClinVar:

ClinVar aggregate classification (germline): Benign (1 of 4 stars; one submission).

Allele frequency attached by ClinVar (database versions not stated): 1000 Genomes Project 30x 0.18067; 1000 Genomes Project 0.18171; ESP Exome Variant Server 0.20309; gnomAD 0.22061 and 0.22142; TOPMed 0.22135; ExAC 0.26369; gnomAD exomes 0.27151.

Submissions (4):

GeneDx
Classification: Benign. Last evaluated: 2013-08-29. Review status: criteria provided, single submitter. Criteria: GeneDx Variant Classification (06012015). Collection method: clinical testing. Allele origin: germline. Affected: yes.
Comment: This variant is considered likely benign or benign based on one or more of the following criteria: it is a conservative change, it occurs at a poorly conserved position in the protein, it is predicted to be benign by multiple in silico algorithms, and/or has population frequency not consistent with disease.

Dr. Peter K. Rogan Lab, Western University
No classification provided (evidence only). Condition: Malignant lymphoma, large B-cell, diffuse. Review status: no classification provided. Collection method: in vitro. Allele origin: not applicable. Functional consequence: retained intron. Not counted in ClinVar's aggregate classification.

Dr. Peter K. Rogan Lab, Western University
No classification provided (evidence only). Condition: Malignant lymphoma, large B-cell, diffuse. Review status: no classification provided. Collection method: in vitro. Allele origin: not applicable. Functional consequence: retained intron. Not counted in ClinVar's aggregate classification.

Dr. Peter K. Rogan Lab, Western University
No classification provided (evidence only). Condition: Malignant lymphoma, large B-cell, diffuse. Review status: no classification provided. Collection method: in vitro. Allele origin: not applicable. Functional consequence: retained intron. Not counted in ClinVar's aggregate classification.

NM_020117.11(LARS1):c.2673T>G (p.Val891=)

Gene: LARS1 (leucyl-tRNA synthetase 1; minus strand). Cytogenetic location: 5q32.
Variant type: single nucleotide variant.
Coding change: c.2673T>G on transcript NM_020117.11 (MANE Select); coding-DNA position 2673, T replaced by G.
Protein change: p.Val891=; no amino-acid change (valine 891 retained).
Molecular consequence: synonymous variant.
Genome position (GRCh38, 1-based): chr5:146,129,074, A>C on the plus strand (T>G on the coding strand, the complement: LARS1 is on the minus strand). VCF-style: chr5-146129074-A-C. GRCh37 (hg19) VCF-style: chr5-145508637-A-C.
Other names: p.V891V:GTT>GTG; NC_000005.9:g.145508637A>C; c.2535T>G, p.Val845= (NM_001317964.2); c.2511T>G, p.Val837= (NM_001317965.2); c.2592T>G, p.Val864= (NM_016460.4).
Identifiers: ClinVar variation 138094 (VCV000138094.2), dbSNP rs61732382, ClinGen allele CA291895.
Genomic context (GRCh38, chr5:146,129,074, plus strand): 5'-TAGTCTAAGGTCATGTGTTACTTCCATAAGATACTGTGAGGAGTGTATTAAAACTTCATT[A>C]ACAGGACCTGCCACAGGCCATGAAGCATTCATAATTGAGTCAGGCTTTTAAAAAAAGAAA-3'
Protein context (NP_064502.9, residues 881-901): MNASWPVAGP[Val891=]NEVLIHSSQY